The following is an entry in ClinVar:

NM_001267550.2(TTN):c.17807T>C (p.Ile5936Thr)

Gene: TTN (titin; minus strand). Cytogenetic location: 2q31.2.
Variant type: single nucleotide variant.
Coding change: c.17807T>C on transcript NM_001267550.2 (MANE Select); coding-DNA position 17807, T replaced by C.
Protein change: p.Ile5936Thr; replaces isoleucine 5936 with threonine.
Molecular consequence: missense variant. On other transcripts: intron variant (3).
Genome position (GRCh38, 1-based): chr2:178,730,726, A>G on the plus strand (T>C on the coding strand, the complement: TTN is on the minus strand). VCF-style: chr2-178730726-A-G. GRCh37 (hg19) VCF-style: chr2-179595453-A-G.
Other names: c.16856T>C, p.Ile5619Thr (NM_001256850.1); c.14075T>C, p.Ile4692Thr (NM_133378.4); c.13282+7356T>C (NM_003319.4); c.13858+7356T>C (NM_133437.4); c.13657+7356T>C (NM_133432.3); short protein forms I4692T, I5619T, I5936T.
Identifiers: ClinVar variation 995659 (VCV000995659.9), dbSNP rs1365679296, ClinGen allele CA349569416.
Genomic context (GRCh38, chr2:178,730,726, plus strand): 5'-TCATCTTTGAACCACTGGATGCTTATGGGATGTGACCCAGCCACTATACATTCTAAATCA[A>G]TGAAAGAACCTTTAATGCTGTCCATTTTCTTCAGCTTTTTGGTGAATGAAGGAGGTATGA-3'
Protein context (NP_001254479.2, residues 5926-5946): KKMDSIKGSF[Ile5936Thr]DLECIVAGSH

ClinVar aggregate classification (germline): Uncertain significance. Review status: criteria provided, multiple submitters, no conflicts (2 of 4 stars). 2 submissions from 2 submitters: Uncertain significance (2). Last evaluated 2021-11-16.

Conditions:
Hypertrophic cardiomyopathy 9. Also called: Familial hypertrophic cardiomyopathy 9. Identifiers: MedGen C1861065, MONDO:0013412, OMIM 613765.
Early-onset myopathy with fatal cardiomyopathy (CMYO5). Also called: CONGENITAL MYOPATHY 5 WITH CARDIOMYOPATHY; Salih Myopathy. Identifiers: Orphanet 289377, MedGen C2673677, MONDO:0012714, OMIM 611705. Disease mechanism: loss of function.
Myopathy, myofibrillar, 9, with early respiratory failure (MFM9). Also called: EDSTROM MYOPATHY; MYOPATHY, PROXIMAL, WITH EARLY RESPIRATORY MUSCLE INVOLVEMENT; Hereditary myopathy with early respiratory failure; Myopathy, distal, with early respiratory failure, autosomal dominant. Identifiers: Orphanet 178464, Orphanet 34521, MedGen C1863599, MONDO:0011362, OMIM 603689.
Tibial muscular dystrophy (TMD). Also called: Tibial muscular dystrophy, tardive; UDD MYOPATHY; Udd Distal Myopathy – Tibial Muscular Dystrophy. Identifiers: Orphanet 609, MedGen C1838244, MONDO:0010870, OMIM 600334.
Dilated cardiomyopathy 1G (CMD1G). Identifiers: Orphanet 154, MedGen C1858763, MONDO:0011400, OMIM 604145.
Autosomal recessive limb-girdle muscular dystrophy type 2J (LGMDR10). Also called: Limb-girdle muscular dystrophy, type 2J; MUSCULAR DYSTROPHY, LIMB-GIRDLE, AUTOSOMAL RECESSIVE 10. Identifiers: Orphanet 140922, MedGen C1837342, MONDO:0012127, OMIM 608807.

Allele frequency attached by ClinVar (database versions not stated): gnomAD 0.00001.
gnomAD v4.1: 3 of 1,613,248 alleles (0.00019%); highest among the groups gnomAD compares: Non-Finnish European, 0.00025%; no homozygotes.

Submissions (2):

Fulgent Genetics
Classification: Uncertain significance for Tibial muscular dystrophy; Myopathy, myofibrillar, 9, with early respiratory failure; Dilated cardiomyopathy 1G; Autosomal recessive limb-girdle muscular dystrophy type 2J; Early-onset myopathy with fatal cardiomyopathy; Hypertrophic cardiomyopathy 9. Last evaluated: 2021-11-16. Review status: criteria provided, single submitter. Criteria: ACMG Guidelines, 2015. Collection method: clinical testing. Allele origin: unknown.

ARUP Laboratories, Molecular Genetics and Genomics, ARUP Laboratories
Classification: Uncertain significance. Last evaluated: 2019-09-14. Review status: criteria provided, single submitter. Criteria: ARUP Molecular Germline Variant Investigation Process. Collection method: clinical testing. Allele origin: germline.
Comment: The TTN c.17807T>C; p.Ile5936Thr variant (rs1365679296) is rare in the general population (<1% allele frequency in the Genome Aggregation Database) and has not been reported in the medical literature in association with dilated cardiomyopathy (DCM) or other TTN-related disease. The clinical relevance of rare missense variants in this gene, which are identified on average once per individual sequenced in affected populations (Herman 2012), is not well understood. Yet, evidence suggests that the vast majority of such missense variants do not contribute to the clinical outcome of DCM (Begay 2015). Thus, the clinical significance of the p.Ile5936Thr variant cannot be determined with certainty. References: Begay RL et al. Role of Titin Missense Variants in Dilated Cardiomyopathy. J Am Heart Assoc. 2015 Nov 13;4(11). Herman DS et al. Truncations of titin causing dilated cardiomyopathy. N Engl J Med. 2012 Feb 16;366(7):619-28.